The following is an entry in ClinVar:

ClinVar aggregate classification (germline): Uncertain significance. Review status: criteria provided, multiple submitters, no conflicts (2 of 4 stars). 2 submissions from 2 submitters: Uncertain significance (2). Last evaluated 2022-02-18.

Conditions:
Aortic aneurysm, familial thoracic 7 (AAT7). Also called: AORTIC DISSECTION, FAMILIAL, WITH OR WITHOUT AORTIC ANEURYSM. Identifiers: MedGen C3151077, MONDO:0013418, OMIM 613780.

Submissions (2):

Labcorp Genetics (formerly Invitae), Labcorp
Classification: Uncertain significance for Aortic aneurysm, familial thoracic 7. Last evaluated: 2022-02-18. Review status: criteria provided, single submitter. Criteria: Invitae Variant Classification Sherloc (09022015). Collection method: clinical testing. Allele origin: germline.
Comment: In summary, the available evidence is currently insufficient to determine the role of this variant in disease. Therefore, it has been classified as a Variant of Uncertain Significance. Algorithms developed to predict the effect of missense changes on protein structure and function are either unavailable or do not agree on the potential impact of this missense change (SIFT: "Deleterious"; PolyPhen-2: "Probably Damaging"; Align-GVGD: "Class C0"). ClinVar contains an entry for this variant (Variation ID: 618742). This variant has not been reported in the literature in individuals affected with MYLK-related conditions. This variant is not present in population databases (gnomAD no frequency). This sequence change replaces cysteine, which is neutral and slightly polar, with tyrosine, which is neutral and polar, at codon 1830 of the MYLK protein (p.Cys1830Tyr).

ARUP Laboratories, Molecular Genetics and Genomics, ARUP Laboratories
Classification: Uncertain significance. Last evaluated: 2017-10-13. Review status: criteria provided, single submitter. Criteria: ARUP Molecular Germline Variant Investigation Process. Collection method: clinical testing. Allele origin: germline.

NM_053025.4(MYLK):c.5489G>A (p.Cys1830Tyr)

Genes: MYLK (myosin light chain kinase; minus strand), MYLK-AS1 (MYLK antisense RNA 1; plus strand). Cytogenetic location: 3q21.1.
Variant type: single nucleotide variant.
Coding change: c.5489G>A on transcript NM_053025.4 (MANE Select); coding-DNA position 5489, G replaced by A.
Protein change: p.Cys1830Tyr; replaces cysteine 1830 with tyrosine.
Molecular consequence: missense variant.
Genome position (GRCh38, 1-based): chr3:123,618,650, C>T on the plus strand (G>A on the coding strand, the complement: MYLK is on the minus strand). VCF-style: chr3-123618650-C-T. GRCh37 (hg19) VCF-style: chr3-123337497-C-T.
Other names: c.4961G>A, p.Cys1654Tyr (NM_001321309.2); c.5282G>A, p.Cys1761Tyr (NM_053026.4); c.5336G>A, p.Cys1779Tyr (NM_053027.4); c.5129G>A, p.Cys1710Tyr (NM_053028.4); c.206G>A, p.Cys69Tyr (NM_053031.4); c.209G>A, p.Cys70Tyr (NM_053032.4); short protein forms C1830Y, C1710Y, C1761Y, C1654Y, C70Y, C1779Y, C69Y.
Identifiers: ClinVar variation 618742 (VCV000618742.17), dbSNP rs1302244958, ClinGen allele CA354230826.